The following is an entry in ClinVar:

NM_001972.4(ELANE):c.558C>A (p.Val186=)

Gene: ELANE (elastase, neutrophil expressed; plus strand). Cytogenetic location: 19p13.3.
Variant type: single nucleotide variant.
Coding change: c.558C>A on transcript NM_001972.4 (MANE Select); coding-DNA position 558, C replaced by A.
Protein change: p.Val186=; no amino-acid change (valine 186 retained).
Molecular consequence: synonymous variant.
Genome position (GRCh38, 1-based): chr19:855,755, C>A. VCF-style: chr19-855755-C-A. GRCh37 (hg19) VCF-style: chr19-855755-C-A.
Other names: c.558C>A (LRG_57t1).
Identifiers: ClinVar variation 242286 (VCV000242286.11), dbSNP rs878855317, ClinGen allele CA10583964.
Genomic context (GRCh38, chr19:855,755, plus strand): 5'-CAGCGTCCTGCAGGAGCTCAACGTGACGGTGGTGACGTCCCTCTGCCGTCGCAGCAACGT[C>A]TGCACTCTCGTGAGGGGCCGGCAGGCCGGCGTCTGTTTCGTACGTGCCCTGGGTGTCCCT-3'
Protein context (NP_001963.1, residues 176-196): VVTSLCRRSN[Val186=]CTLVRGRQAG

ClinVar aggregate classification (germline): Conflicting classifications of pathogenicity. Review status: criteria provided, conflicting classifications (1 of 4 stars). 2 submissions from 2 submitters: Likely pathogenic (1); Uncertain significance (1). Last evaluated 2022-11-07.

Submissions (2):

GeneDx
Classification: Likely pathogenic. Last evaluated: 2022-11-07. Review status: criteria provided, single submitter. Criteria: GeneDx Variant Classification Process June 2021. Collection method: clinical testing. Allele origin: germline. Affected: yes.
Comment: Not observed at significant frequency in large population cohorts (gnomAD); In silico analysis supports a deleterious effect on splicing; Also known as V157V; This variant is associated with the following publications: (PMID: 14962902, 23463630, 17053055, 10581030)

ARUP Laboratories, Molecular Genetics and Genomics, ARUP Laboratories
Classification: Uncertain significance. Last evaluated: 2017-05-01. Review status: criteria provided, single submitter. Criteria: ARUP Molecular Germline Variant Investigation Process. Collection method: clinical testing. Allele origin: germline.